The following is an entry in ClinVar:

ClinVar aggregate classification (germline): Uncertain significance (1 of 4 stars; one submission).

Conditions:
Cataract 1 multiple types. Also called: CATARACT, DUFFY-LINKED; CATARACT 1, POSTERIOR SUBCAPSULAR, WITH MICROCORNEA; CATARACT 1, STELLATE NUCLEAR, WITH MICROCORNEA; CATARACT 1, MULTIPLE TYPES, WITH OR WITHOUT MICROCORNEA; CATARACT 1, NUCLEAR PROGRESSIVE; CATARACT 1 WITH MICROCORNEA. Identifiers: Orphanet 1377, MedGen C1861828, MONDO:0007285, OMIM 116200.

Submission:

Dept. Genetics and Cancer, Menzies Institute for Medical Research, University of Tasmania
Classification: Uncertain significance for Cataract 1 multiple types. Last evaluated: 2023-01-21. Review status: criteria provided, single submitter. Criteria: ACMG Guidelines, 2015. Collection method: curation. Allele origin: germline. Affected: yes.
Comment: Variant identified and curated during a GJA8 specific review of the literature in relation to pediatric or congenital cataract. ACMG-AMP criteria applied: PM1(Supporting), PM2(Supporting), PP1, PP3. Original variant report: PMID:29461512. The cataract phenotype reported for this variant is: Nuclear. Additional phenotype/s reported in these individual/s are: Nystagmus, amblyopia and leucocoria. Gene review and curation guidelines are outlined in: DOI 10.1080/17469899.2023.2160320

Literature cited by the submitters: PubMed 29461512.

NM_005267.5(GJA8):c.53C>T (p.Ser18Phe)

Gene: GJA8 (gap junction protein alpha 8; plus strand). Cytogenetic location: 1q21.2.
Variant type: single nucleotide variant.
Coding change: c.53C>T on transcript NM_005267.5 (MANE Select); coding-DNA position 53, C replaced by T.
Protein change: p.Ser18Phe; replaces serine 18 with phenylalanine.
Molecular consequence: missense variant.
Genome position (GRCh38, 1-based): chr1:147,908,008, C>T. VCF-style: chr1-147908008-C-T. GRCh37 (hg19) VCF-style: chr1-147380135-C-T.
Other names: short protein forms S18F.
Identifiers: ClinVar variation 3253706 (VCV003253706.1), dbSNP rs2524888484.